The following is an entry in ClinVar:

NM_001144990.2(NWD2):c.657C>T (p.His219=)

Gene: NWD2 (NACHT and WD repeat domain containing 2; plus strand). Cytogenetic location: 4p14.
Variant type: single nucleotide variant.
Coding change: c.657C>T on transcript NM_001144990.2 (MANE Select); coding-DNA position 657, C replaced by T.
Protein change: p.His219=; no amino-acid change (histidine 219 retained).
Molecular consequence: synonymous variant.
Genome position (GRCh38, 1-based): chr4:37,433,971, C>T. VCF-style: chr4-37433971-C-T. GRCh37 (hg19) VCF-style: chr4-37435593-C-T.
Identifiers: ClinVar variation 2654711 (VCV002654711.24), dbSNP rs183200253, ClinGen allele CA2885841.

ClinVar aggregate classification (germline): Likely benign (1 of 4 stars; one submission).

Allele frequency attached by ClinVar (database versions not stated): 1000 Genomes Project 30x 0.00016; ExAC 0.00093; gnomAD 0.00137; ESP Exome Variant Server 0.00153; gnomAD exomes 0.00231.
gnomAD v4.1: 3,441 of 1,550,300 alleles (0.22%); highest among the groups gnomAD compares: Non-Finnish European, 0.28%; 4 homozygotes.

Submission:

CeGaT Center for Human Genetics Tuebingen
Classification: Likely benign. Last evaluated: 2022-03-01. Review status: criteria provided, single submitter. Criteria: CeGaT Center For Human Genetics Tuebingen Variant Classification Criteria Version 2. Collection method: clinical testing. Allele origin: germline. Affected: yes. Observed: 1 variant allele.
Comment: NWD2: BP4, BP7